The following is an entry in ClinVar:

NM_024577.4(SH3TC2):c.279+1G>A

Gene: SH3TC2 (SH3 domain and tetratricopeptide repeats 2; minus strand). Cytogenetic location: 5q32.
Variant type: single nucleotide variant.
Coding change: c.279+1G>A on transcript NM_024577.4 (MANE Select); the canonical splice donor site of the intron after coding-DNA position 279, G replaced by A.
Molecular consequence: splice donor variant.
Genome position (GRCh38, 1-based): chr5:149,047,861, C>T on the plus strand (G>A on the coding strand, the complement: SH3TC2 is on the minus strand). VCF-style: chr5-149047861-C-T. GRCh37 (hg19) VCF-style: chr5-148427424-C-T.
Identifiers: ClinVar variation 476902 (VCV000476902.7), dbSNP rs1198337036, ClinGen allele CA361678399.

ClinVar aggregate classification (germline): Likely pathogenic (1 of 4 stars; one submission).

Conditions:
Charcot-Marie-Tooth disease type 4. Also called: Charcot-Marie-Tooth, Type 4; Charcot-Marie-Tooth disease, type IV. Identifiers: Orphanet 64749, MedGen C4082197, MONDO:0018995.

Allele frequency attached by ClinVar (database versions not stated): gnomAD 0.00001; gnomAD exomes 0.00001 and 0.00002; TOPMed 0.00002.
gnomAD v4.1: 28 of 1,613,934 alleles (0.0017%); highest among the groups gnomAD compares: Non-Finnish European, 0.0024%; no homozygotes.

Submission:

Labcorp Genetics (formerly Invitae), Labcorp
Classification: Likely pathogenic for Charcot-Marie-Tooth disease type 4. Last evaluated: 2024-07-30. Review status: criteria provided, single submitter. Criteria: Invitae Variant Classification Sherloc (09022015). Collection method: clinical testing. Allele origin: germline.
Comment: This sequence change affects a donor splice site in intron 3 of the SH3TC2 gene. It is expected to disrupt RNA splicing. Variants that disrupt the donor or acceptor splice site typically lead to a loss of protein function (PMID: 16199547), and loss-of-function variants in SH3TC2 are known to be pathogenic (PMID: 20220177, 27068304). This variant is present in population databases (no rsID available, gnomAD 0.002%). This variant has not been reported in the literature in individuals affected with SH3TC2-related conditions. ClinVar contains an entry for this variant (Variation ID: 476902). Algorithms developed to predict the effect of sequence changes on RNA splicing suggest that this variant may disrupt the consensus splice site. In summary, the currently available evidence indicates that the variant is pathogenic, but additional data are needed to prove that conclusively. Therefore, this variant has been classified as Likely Pathogenic.

Literature cited by the submitters: PubMed 16199547; PubMed 20220177; PubMed 27068304.